The following is an entry in ClinVar:

NM_000135.4(FANCA):c.1487C>A (p.Pro496Gln)

Gene: FANCA (FA complementation group A; minus strand). Cytogenetic location: 16q24.3.
Variant type: single nucleotide variant.
Coding change: c.1487C>A on transcript NM_000135.4 (MANE Select); coding-DNA position 1487, C replaced by A.
Protein change: p.Pro496Gln; replaces proline 496 with glutamine.
Molecular consequence: missense variant.
Genome position (GRCh38, 1-based): chr16:89,783,086, G>T on the plus strand (C>A on the coding strand, the complement: FANCA is on the minus strand). VCF-style: chr16-89783086-G-T. GRCh37 (hg19) VCF-style: chr16-89849494-G-T.
Other names: c.1487C>A, p.Pro496Gln (NM_001286167.3); short protein forms P496Q.
Identifiers: ClinVar variation 4022091 (VCV004022091.1).

ClinVar aggregate classification (germline): Uncertain significance (1 of 4 stars; one submission).

Conditions:
Inborn genetic diseases. Identifiers: MedGen C0950123, MeSH D030342.

gnomAD v4.1: 3 of 1,613,554 alleles (0.00019%); highest among the groups gnomAD compares: Non-Finnish European, 0.00025%; no homozygotes.

Submission:

Ambry Genetics
Classification: Uncertain significance for Inborn genetic diseases. Last evaluated: 2025-03-17. Review status: criteria provided, single submitter. Criteria: Ambry Variant Classification Scheme 2023. Collection method: clinical testing. Allele origin: germline.
Comment: The p.P496Q variant (also known as c.1487C>A), located in coding exon 16 of the FANCA gene, results from a C to A substitution at nucleotide position 1487. The proline at codon 496 is replaced by glutamine, an amino acid with similar properties. This amino acid position is conserved. In addition, this alteration is predicted to be deleterious by in silico analysis. Based on the available evidence, the clinical significance of this variant remains unclear.